The following is an entry in ClinVar:

NM_002474.3(MYH11):c.282G>T (p.Thr94=)

Gene: MYH11 (myosin heavy chain 11; minus strand). Cytogenetic location: 16p13.11.
Variant type: single nucleotide variant.
Coding change: c.282G>T on transcript NM_002474.3 (MANE Select); coding-DNA position 282, G replaced by T.
Protein change: p.Thr94=; no amino-acid change (threonine 94 retained).
Molecular consequence: synonymous variant.
Genome position (GRCh38, 1-based): chr16:15,837,971, C>A on the plus strand (G>T on the coding strand, the complement: MYH11 is on the minus strand). VCF-style: chr16-15837971-C-A. GRCh37 (hg19) VCF-style: chr16-15931828-C-A.
Other names: c.282G>T, p.Thr94= (NM_001040113.2, NM_001040114.2, NM_022844.3); c.282G>T (NM_002474.2).
Identifiers: ClinVar variation 413424 (VCV000413424.12), dbSNP rs759914132, ClinGen allele CA16615024.

ClinVar aggregate classification (germline): Conflicting classifications of pathogenicity. Review status: criteria provided, conflicting classifications (1 of 4 stars). 3 submissions from 3 submitters: Uncertain significance (1); Likely benign (2). Last evaluated 2024-06-09.

Conditions:
Aortic aneurysm, familial thoracic 4 (AAT4). Also called: AORTIC ANEURYSM/AORTIC DISSECTION AND PATENT DUCTUS ARTERIOSUS. Identifiers: MedGen C1851504, MONDO:0007568, OMIM 132900.
Familial thoracic aortic aneurysm and aortic dissection (TAAD). Also called: Thoracic aortic aneurysms and dissections. Identifiers: Orphanet 91387, MedGen C4707243, MONDO:0019625.

gnomAD v4.1: 4 of 1,614,150 alleles (0.00025%); highest among the groups gnomAD compares: Admixed American, 0.0067%; no homozygotes.

Submissions (3):

Ambry Genetics
Classification: Likely benign for Familial thoracic aortic aneurysm and aortic dissection. Last evaluated: 2024-06-09. Review status: criteria provided, single submitter. Criteria: Ambry Variant Classification Scheme 2023. Collection method: clinical testing. Allele origin: germline.

All of Us Research Program, National Institutes of Health
Classification: Uncertain significance for Familial thoracic aortic aneurysm and aortic dissection. Last evaluated: 2023-03-09. Review status: criteria provided, single submitter. Criteria: ACMG Guidelines, 2015. Collection method: clinical testing. Allele origin: germline. Inheritance: Autosomal dominant inheritance. Observed: 1 variant allele, 1 heterozygote.
Comment: This variant is located in the MYH11 protein. To our knowledge, functional studies have not been reported for this variant. This variant has not been reported in individuals affected with MYH11-related disorders in the literature. This variant has been identified in 2/251484 chromosomes in the general population by the Genome Aggregation Database (gnomAD). The available evidence is insufficient to determine the role of this variant in disease conclusively. Therefore, this variant is classified as a Variant of Uncertain Significance.

This study involves interpretation of variants in research participants for the purpose of population health screening. Participant phenotype was not available at the time of variant classification. Additional details can be found in publication PMID: 35346344, PMCID: PMC8962531

Labcorp Genetics (formerly Invitae), Labcorp
Classification: Likely benign for Aortic aneurysm, familial thoracic 4. Last evaluated: 2018-01-02. Review status: criteria provided, single submitter. Criteria: Invitae Variant Classification Sherloc (09022015). Collection method: clinical testing. Allele origin: germline.